The following is an entry in ClinVar:

NM_000293.3(PHKB):c.1574C>A (p.Pro525His)

Gene: PHKB (phosphorylase kinase regulatory subunit beta; plus strand). Cytogenetic location: 16q12.1.
Variant type: single nucleotide variant.
Coding change: c.1574C>A on transcript NM_000293.3 (MANE Select); coding-DNA position 1574, C replaced by A.
Protein change: p.Pro525His; replaces proline 525 with histidine.
Molecular consequence: missense variant.
Genome position (GRCh38, 1-based): chr16:47,641,658, C>A. VCF-style: chr16-47641658-C-A. GRCh37 (hg19) VCF-style: chr16-47675569-C-A.
Other names: p.Pro525His; c.1553C>A, p.Pro518His (NM_001031835.3); c.1574C>A, p.Pro525His (NM_001363837.1); c.1553C>A (NM_001031835.2); short protein forms P518H, P525H.
Identifiers: ClinVar variation 731875 (VCV000731875.17), dbSNP rs79509460, ClinGen allele CA8040884.

ClinVar aggregate classification (germline): Conflicting classifications of pathogenicity. Review status: criteria provided, conflicting classifications (1 of 4 stars). 5 submissions from 5 submitters: Uncertain significance (3); Likely benign (1). 1 of the submissions does not count toward it. Last evaluated 2026-01-14.

Conditions:
PHKB-related disorder. Also called: PHKB-related condition.
Glycogen storage disease IXb (GSD9B). Also called: PHOSPHORYLASE KINASE DEFICIENCY OF LIVER AND MUSCLE, AUTOSOMAL RECESSIVE; GLYCOGENOSIS OF LIVER AND MUSCLE, AUTOSOMAL RECESSIVE; GSD IXb. Identifiers: Orphanet 79240, MedGen C0543514, MONDO:0009868, OMIM 261750.

Allele frequency attached by ClinVar (database versions not stated): gnomAD exomes 0.00012 and 0.00045; ExAC 0.00051; 1000 Genomes Project 0.00140; gnomAD 0.00152 and 0.00165; ESP Exome Variant Server 0.00162; TOPMed 0.00186; 1000 Genomes Project 30x 0.00203.
gnomAD v4.1: 435 of 1,605,514 alleles (0.027%); highest among the groups gnomAD compares: African/African-American, 0.49%; 1 homozygote.

Submissions (5):

Labcorp Genetics (formerly Invitae), Labcorp
Classification: Likely benign for Glycogen storage disease IXb. Last evaluated: 2026-01-14. Review status: criteria provided, single submitter. Criteria: Invitae Variant Classification Sherloc (09022015). Collection method: clinical testing. Allele origin: germline.

Mayo Clinic Laboratories, Mayo Clinic
Classification: Uncertain significance. Last evaluated: 2024-07-09. Review status: criteria provided, single submitter. Criteria: ACMG Guidelines, 2015. Collection method: clinical testing. Allele origin: germline. Observed: 1 variant allele.
Comment: BS1, PP3_moderate

Blueprint Genetics
Classification: Uncertain significance. Last evaluated: 2024-03-11. Review status: criteria provided, single submitter. Criteria: ACMG Guidelines, 2015. Collection method: clinical testing. Allele origin: germline.

GeneDx
Classification: Uncertain significance. Last evaluated: 2023-12-16. Review status: criteria provided, single submitter. Criteria: GeneDx Variant Classification Process June 2021. Collection method: clinical testing. Allele origin: germline. Affected: yes.
Comment: Has not been previously published as pathogenic or benign to our knowledge; In silico analysis supports that this missense variant has a deleterious effect on protein structure/function

PreventionGenetics, part of Exact Sciences
Classification: Likely benign for PHKB-related condition. Last evaluated: 2023-03-28. Review status: no assertion criteria provided. Collection method: clinical testing. Allele origin: germline. Not counted in ClinVar's aggregate classification.
Comment: This variant is classified as likely benign based on ACMG/AMP sequence variant interpretation guidelines (Richards et al. 2015 PMID: 25741868, with internal and published modifications).

Literature cited by the submitters: PubMed 29503979 (cited by Mayo Clinic Laboratories, Mayo Clinic).